The following is an entry in ClinVar:

ClinVar aggregate classification (germline): Pathogenic (1 of 4 stars; one submission).

Submission:

Labcorp Genetics (formerly Invitae), Labcorp
Classification: Pathogenic. Last evaluated: 2023-11-28. Review status: criteria provided, single submitter. Criteria: Invitae Variant Classification Sherloc (09022015). Collection method: clinical testing. Allele origin: germline.
Comment: This sequence change creates a premature translational stop signal (p.Tyr39*) in the HPS4 gene. It is expected to result in an absent or disrupted protein product. Loss-of-function variants in HPS4 are known to be pathogenic (PMID: 12664304). This variant is not present in population databases (gnomAD no frequency). This variant has not been reported in the literature in individuals affected with HPS4-related conditions. Algorithms developed to predict the effect of sequence changes on RNA splicing suggest that this variant may disrupt the consensus splice site. For these reasons, this variant has been classified as Pathogenic.

Literature cited by the submitters: PubMed 12664304.

NM_022081.6(HPS4):c.117C>G (p.Tyr39Ter)

Gene: HPS4 (HPS4 biogenesis of lysosomal organelles complex 3 subunit 2; minus strand). Cytogenetic location: 22q12.1.
Variant type: single nucleotide variant.
Coding change: c.117C>G on transcript NM_022081.6 (MANE Select); coding-DNA position 117, C replaced by G.
Protein change: p.Tyr39Ter; replaces tyrosine 39 with a stop codon.
Molecular consequence: nonsense. On other transcripts: non-coding transcript variant (8).
Genome position (GRCh38, 1-based): chr22:26,479,280, G>C on the plus strand (C>G on the coding strand, the complement: HPS4 is on the minus strand). VCF-style: chr22-26479280-G-C. GRCh37 (hg19) VCF-style: chr22-26875246-G-C.
Other names: c.117C>G, p.Tyr39Ter (NM_001349896.1, NM_001349898.2, NM_001349899.2 and 7 more transcripts); c.102C>G, p.Tyr34Ter (NM_152841.2); short protein forms Y34*, Y39*.
Identifiers: ClinVar variation 2699462 (VCV002699462.3), dbSNP rs760897880, ClinGen allele CA411033038.